The following is an entry in ClinVar:

ClinVar aggregate classification (germline): Uncertain significance (1 of 4 stars; one submission).

Conditions:
Hereditary cancer-predisposing syndrome. Also called: Neoplastic Syndromes, Hereditary; Tumor predisposition; Hereditary Cancer Syndrome; Hereditary neoplastic syndrome. Identifiers: Orphanet 140162, MedGen C0027672, MeSH D009386, MONDO:0015356.

Submission:

Ambry Genetics
Classification: Uncertain significance for Hereditary cancer-predisposing syndrome. Last evaluated: 2025-09-10. Review status: criteria provided, single submitter. Criteria: Ambry Variant Classification Scheme 2023. Collection method: clinical testing. Allele origin: germline.
Comment: The p.G1370W variant (also known as c.4108G>T), located in coding exon 26 of the ATM gene, results from a G to T substitution at nucleotide position 4108. The glycine at codon 1370 is replaced by tryptophan, an amino acid with highly dissimilar properties. This amino acid position is well conserved in available vertebrate species. In addition, the in silico prediction for this alteration is inconclusive. Since supporting evidence is limited at this time, the clinical significance of this alteration remains unclear.

NM_000051.4(ATM):c.4108G>T (p.Gly1370Trp)

Gene: ATM (ATM serine/threonine kinase; plus strand). Cytogenetic location: 11q22.3.
Variant type: single nucleotide variant.
Coding change: c.4108G>T on transcript NM_000051.4 (MANE Select); coding-DNA position 4108, G replaced by T.
Protein change: p.Gly1370Trp; replaces glycine 1370 with tryptophan.
Molecular consequence: missense variant.
Genome position (GRCh38, 1-based): chr11:108,287,714, G>T. VCF-style: chr11-108287714-G-T. GRCh37 (hg19) VCF-style: chr11-108158441-G-T.
Other names: c.4108G>T, p.Gly1370Trp (NM_001351834.2); short protein forms G1370W.
Identifiers: ClinVar variation 1737896 (VCV001737896.3), dbSNP rs1301806793, ClinGen allele CA382528713.